The following is an entry in ClinVar:

ClinVar aggregate classification (germline): Uncertain significance (1 of 4 stars; one submission).

Submission:

Labcorp Genetics (formerly Invitae), Labcorp
Classification: Uncertain significance. Last evaluated: 2024-04-01. Review status: criteria provided, single submitter. Criteria: Invitae Variant Classification Sherloc (09022015). Collection method: clinical testing. Allele origin: germline.
Comment: This sequence change replaces arginine, which is basic and polar, with leucine, which is neutral and non-polar, at codon 89 of the FZD2 protein (p.Arg89Leu). Information on the frequency of this variant in the gnomAD database is not available, as this variant may be reported differently in the database. This variant has not been reported in the literature in individuals affected with FZD2-related conditions. ClinVar contains an entry for this variant (Variation ID: 1996836). An algorithm developed to predict the effect of missense changes on protein structure and function (PolyPhen-2) suggests that this variant is likely to be tolerated. In summary, the available evidence is currently insufficient to determine the role of this variant in disease. Therefore, it has been classified as a Variant of Uncertain Significance.

NM_001466.4(FZD2):c.266_267delinsTT (p.Arg89Leu)

Gene: FZD2 (frizzled class receptor 2; plus strand). Cytogenetic location: 17q21.31.
Variant type: Indel.
Coding change: c.266_267delinsTT on transcript NM_001466.4 (MANE Select); coding-DNA positions 266 to 267, GC replaced by TT.
Protein change: p.Arg89Leu; replaces arginine 89 with leucine.
Molecular consequence: missense variant.
Genome position (GRCh38, 1-based): chr17:44,557,954-44,557,955, GC replaced by TT. VCF-style: chr17-44557954-GC-TT. GRCh37 (hg19) VCF-style: chr17-42635322-GC-TT.
Other names: short protein forms R89L.
Identifiers: ClinVar variation 1996836 (VCV001996836.4), dbSNP rs2544583498, ClinGen allele CA2580094063.